The following is an entry in ClinVar:

NM_001374828.1(ARID1B):c.971G>A (p.Ser324Asn)

Gene: ARID1B (AT-rich interaction domain 1B; plus strand). Cytogenetic location: 6q25.3.
Variant type: single nucleotide variant.
Coding change: c.971G>A on transcript NM_001374828.1 (MANE Select); coding-DNA position 971, G replaced by A.
Protein change: p.Ser324Asn; replaces serine 324 with asparagine.
Molecular consequence: missense variant.
Genome position (GRCh38, 1-based): chr6:156,778,651, G>A. VCF-style: chr6-156778651-G-A. GRCh37 (hg19) VCF-style: chr6-157099785-G-A.
Other names: c.722G>A, p.Ser241Asn (NM_001346813.1, NM_020732.3); c.971G>A, p.Ser324Asn (NM_001371656.1, NM_001374820.1, NM_017519.3); c.548G>A, p.Ser183Asn (NM_175863.2); short protein forms S324N, S183N, S241N.
Identifiers: ClinVar variation 1895977 (VCV001895977.5), dbSNP rs1778878923, ClinGen allele CA366382634.

ClinVar aggregate classification (germline): Uncertain significance (1 of 4 stars; one submission).

Allele frequency attached by ClinVar (database versions not stated): TOPMed below 0.00001; gnomAD exomes below 0.00001.
gnomAD v4.1: 1 of 1,481,758 alleles (0.000067%); highest among the groups gnomAD compares: Non-Finnish European, 0.00009%; no homozygotes.

Submission:

Labcorp Genetics (formerly Invitae), Labcorp
Classification: Uncertain significance. Last evaluated: 2022-06-10. Review status: criteria provided, single submitter. Criteria: Invitae Variant Classification Sherloc (09022015). Collection method: clinical testing. Allele origin: germline.
Comment: In summary, the available evidence is currently insufficient to determine the role of this variant in disease. Therefore, it has been classified as a Variant of Uncertain Significance. Algorithms developed to predict the effect of missense changes on protein structure and function are either unavailable or do not agree on the potential impact of this missense change (SIFT: "Deleterious"; PolyPhen-2: "Not Available"; Align-GVGD: "Class C0"). This variant has not been reported in the literature in individuals affected with ARID1B-related conditions. This variant is not present in population databases (gnomAD no frequency). This sequence change replaces serine, which is neutral and polar, with asparagine, which is neutral and polar, at codon 241 of the ARID1B protein (p.Ser241Asn).